The following is an entry in ClinVar:

ClinVar aggregate classification (germline): Uncertain significance (1 of 4 stars; one submission).

Submission:

GeneDx
Classification: Uncertain significance. Last evaluated: 2026-08-21. Review status: criteria provided, single submitter. Criteria: GeneDx Variant Classification Process June 2021. Collection method: clinical testing. Allele origin: germline.
Comment: Not observed at significant frequency in large population cohorts (gnomAD); In silico analysis supports that this missense variant has a deleterious effect on protein structure/function; Has not been previously published as pathogenic or benign to our knowledge

NM_020771.4(HACE1):c.611C>T (p.Ala204Val)

Gene: HACE1 (HECT domain and ankyrin repeat containing E3 ubiquitin protein ligase 1; minus strand). Cytogenetic location: 6q16.3.
Variant type: single nucleotide variant.
Coding change: c.611C>T on transcript NM_020771.4 (MANE Select); coding-DNA position 611, C replaced by T.
Protein change: p.Ala204Val; replaces alanine 204 with valine.
Molecular consequence: missense variant. On other transcripts: 5 prime UTR variant (1), non-coding transcript variant (5), intron variant (5).
Genome position (GRCh38, 1-based): chr6:104,811,317, G>A on the plus strand (C>T on the coding strand, the complement: HACE1 is on the minus strand). VCF-style: chr6-104811317-G-A. GRCh37 (hg19) VCF-style: chr6-105259192-G-A.
Other names: c.479C>T, p.Ala160Val (NM_001321080.2); c.509C>T, p.Ala170Val (NM_001321083.2); c.377C>T, p.Ala126Val (NM_001350554.2); c.125C>T, p.Ala42Val (NM_001350556.2); c.-173C>T (NM_001350560.2); c.327-14292C>T (NM_001350555.2); c.114-14292C>T (NM_001350557.2, NM_001350558.2, NM_001321084.2); c.36-14292C>T (NM_001350559.2); short protein forms A126V, A160V, A170V, A204V, A42V.
Identifiers: ClinVar variation 3730942 (VCV003730942.2).